The following is an entry in ClinVar:

NM_000021.4(PSEN1):c.485T>C (p.Ile162Thr)

Gene: PSEN1 (presenilin 1; plus strand). Cytogenetic location: 14q24.2.
Variant type: single nucleotide variant.
Coding change: c.485T>C on transcript NM_000021.4 (MANE Select); coding-DNA position 485, T replaced by C.
Protein change: p.Ile162Thr; replaces isoleucine 162 with threonine.
Molecular consequence: missense variant.
Genome position (GRCh38, 1-based): chr14:73,186,857, T>C. VCF-style: chr14-73186857-T-C. GRCh37 (hg19) VCF-style: chr14-73653565-T-C.
Other names: c.473T>C, p.Ile158Thr (NM_007318.3); short protein forms I158T, I162T.
Identifiers: ClinVar variation 2573620 (VCV002573620.1), dbSNP rs1898533739, ClinGen allele CA390295893.
Genomic context (GRCh38, chr14:73,186,857, plus strand): 5'-GTACTTTTTAAGGGTTGTGGGACCTGTTAATTATATTGAAATGCTTTCTTTTCTAGGTCA[T>C]CCATGCCTGGCTTATTATATCATCTCTATTGTTGCTGTTCTTTTTTTCATTCATTTACTT-3'
Protein context (NP_000012.1, residues 152-172): VLYKYRCYKV[Ile162Thr]HAWLIISSLL

ClinVar aggregate classification (germline): Uncertain significance (1 of 4 stars; one submission).

Submission:

Women's Health and Genetics/Laboratory Corporation of America, LabCorp
Classification: Uncertain significance. Last evaluated: 2023-06-01. Review status: criteria provided, single submitter. Criteria: LabCorp Variant Classification Summary - May 2015. Collection method: clinical testing. Allele origin: germline.
Comment: Variant summary: PSEN1 c.485T>C (p.Ile162Thr) results in a non-conservative amino acid change located in the Presenilin/signal peptide peptidase domain (IPR006639) of the encoded protein sequence. Five of five in-silico tools predict a damaging effect of the variant on protein function. The variant was absent in 251374 control chromosomes. The available data on variant occurrences in the general population are insufficient to allow any conclusion about variant significance. To our knowledge, no occurrence of c.485T>C in individuals affected with Alzheimer Disease, Type 3 and no experimental evidence demonstrating its impact on protein function have been reported. No clinical diagnostic laboratories have submitted clinical-significance assessments for this variant to ClinVar after 2014. Based on the evidence outlined above, the variant was classified as uncertain significance.